The following is an entry in ClinVar:

NM_001743.6(CALM2):c.203A>C (p.Glu68Ala)

Gene: CALM2 (calmodulin 2; minus strand). Cytogenetic location: 2p21.
Variant type: single nucleotide variant.
Coding change: c.203A>C on transcript NM_001743.6 (MANE Select); coding-DNA position 203, A replaced by C.
Protein change: p.Glu68Ala; replaces glutamic acid 68 with alanine.
Molecular consequence: missense variant.
Genome position (GRCh38, 1-based): chr2:47,162,368, T>G on the plus strand (A>C on the coding strand, the complement: CALM2 is on the minus strand). VCF-style: chr2-47162368-T-G. GRCh37 (hg19) VCF-style: chr2-47389507-T-G.
Other names: c.347A>C, p.Glu116Ala (NM_001305624.1); c.95A>C, p.Glu32Ala (NM_001305625.2, NM_001305626.1); short protein forms E116A, E68A, E32A.
Identifiers: ClinVar variation 1035607 (VCV001035607.10), dbSNP rs1687186092, ClinGen allele CA346719535.
Genomic context (GRCh38, chr2:47,162,368, plus strand): 5'-TCTCTAATTTCTTCTTCACTGTCTGTGTCTTTCATTTTTCTTGCCATCATTGTCAGAAAT[T>G]CAGGGAAGTCAATTGTGCCATTACCTGAAATGGTTTAGTGGAAACATCAAAGCTTTAGTG-3'
Protein context (NP_001734.1, residues 58-78): ADGNGTIDFP[Glu68Ala]FLTMMARKMK

ClinVar aggregate classification (germline): Uncertain significance (1 of 4 stars; one submission).

Conditions:
Long QT syndrome 1 (LQT1). Identifiers: Orphanet 101016, Orphanet 768, MedGen C4551647, MONDO:0100316, OMIM 192500, MONDO:0008646.

Submission:

Labcorp Genetics (formerly Invitae), Labcorp
Classification: Uncertain significance for Long QT syndrome 1. Last evaluated: 2025-05-21. Review status: criteria provided, single submitter. Criteria: Invitae Variant Classification Sherloc (09022015). Collection method: clinical testing. Allele origin: germline.
Comment: This sequence change replaces glutamic acid, which is acidic and polar, with alanine, which is neutral and non-polar, at codon 68 of the CALM2 protein (p.Glu68Ala). This variant is not present in population databases (gnomAD no frequency). This variant has not been reported in the literature in individuals affected with CALM2-related conditions. ClinVar contains an entry for this variant (Variation ID: 1035607). An algorithm developed to predict the effect of missense changes on protein structure and function (PolyPhen-2) suggests that this variant is likely to be disruptive. In summary, the available evidence is currently insufficient to determine the role of this variant in disease. Therefore, it has been classified as a Variant of Uncertain Significance.